The following is an entry in ClinVar:

ClinVar aggregate classification (germline): Benign/Likely benign. Review status: criteria provided, multiple submitters, no conflicts (2 of 4 stars). 5 submissions from 5 submitters: Benign (2); Likely benign (2). 1 of the submissions does not count toward it. Last evaluated 2026-02-01.

Conditions:
PTPN23-related disorder. Also called: PTPN23-related condition.

Allele frequency attached by ClinVar (database versions not stated): gnomAD exomes 0.00028 and 0.00073; ExAC 0.00099; 1000 Genomes Project 30x 0.00172; 1000 Genomes Project 0.00220; gnomAD 0.00289 and 0.00309; TOPMed 0.00325; ESP Exome Variant Server 0.00338.
gnomAD v4.1: 865 of 1,607,986 alleles (0.054%); highest among the groups gnomAD compares: African/African-American, 1%; 5 homozygotes.

Submissions (5):

CeGaT Center for Human Genetics Tuebingen
Classification: Likely benign. Last evaluated: 2026-02-01. Review status: criteria provided, single submitter. Criteria: CeGaT Center For Human Genetics Tuebingen Variant Classification Criteria Version 2. Collection method: clinical testing. Allele origin: germline. Affected: yes. Observed: 3 variant alleles.
Comment: PTPN23: BP4, BP7, BS1

Labcorp Genetics (formerly Invitae), Labcorp
Classification: Benign. Last evaluated: 2026-01-27. Review status: criteria provided, single submitter. Criteria: Invitae Variant Classification Sherloc (09022015). Collection method: clinical testing. Allele origin: germline.

Blueprint Genetics
Classification: Likely benign. Last evaluated: 2024-09-23. Review status: criteria provided, single submitter. Criteria: ACMG Guidelines, 2015. Collection method: clinical testing. Allele origin: germline.

Breakthrough Genomics
Classification: Benign. Review status: criteria provided, single submitter. Criteria: ACMG Guidelines, 2015. Collection method: not provided. Allele origin: germline. Inheritance: Autosomal recessive inheritance. Affected: yes.

PreventionGenetics, part of Exact Sciences
Classification: Benign for PTPN23-related condition. Last evaluated: 2019-10-28. Review status: no assertion criteria provided. Collection method: clinical testing. Allele origin: germline. Not counted in ClinVar's aggregate classification.
Comment: This variant is classified as benign based on ACMG/AMP sequence variant interpretation guidelines (Richards et al. 2015 PMID: 25741868, with internal and published modifications).

NM_015466.4(PTPN23):c.2068C>T (p.Leu690=)

Gene: PTPN23 (protein tyrosine phosphatase non-receptor type 23; plus strand). Cytogenetic location: 3p21.31.
Variant type: single nucleotide variant.
Coding change: c.2068C>T on transcript NM_015466.4 (MANE Select); coding-DNA position 2068, C replaced by T.
Protein change: p.Leu690=; no amino-acid change (leucine 690 retained).
Molecular consequence: synonymous variant.
Genome position (GRCh38, 1-based): chr3:47,409,773, C>T. VCF-style: chr3-47409773-C-T. GRCh37 (hg19) VCF-style: chr3-47451263-C-T.
Other names: c.1690C>T, p.Leu564= (NM_001304482.2); c.2068C>T (NM_015466.3).
Identifiers: ClinVar variation 1557664 (VCV001557664.34), dbSNP rs116521545, ClinGen allele CA2365901.